The following is an entry in ClinVar:

ClinVar aggregate classification (germline): Uncertain significance (1 of 4 stars; one submission).

Submission:

GeneDx
Classification: Uncertain significance. Last evaluated: 2026-01-28. Review status: criteria provided, single submitter. Criteria: GeneDx Variant Classification Process June 2021. Collection method: clinical testing. Allele origin: germline.
Comment: Not observed at significant frequency in large population cohorts (gnomAD); In silico analysis supports that this missense variant has a deleterious effect on protein structure/function; Has not been previously published as pathogenic or benign to our knowledge

NM_024496.4(IRF2BPL):c.2368G>T (p.Val790Leu)

Gene: IRF2BPL (interferon regulatory factor 2 binding protein like; minus strand). Cytogenetic location: 14q24.3.
Variant type: single nucleotide variant.
Coding change: c.2368G>T on transcript NM_024496.4 (MANE Select); coding-DNA position 2368, G replaced by T.
Protein change: p.Val790Leu; replaces valine 790 with leucine.
Molecular consequence: missense variant.
Genome position (GRCh38, 1-based): chr14:77,025,425, C>A on the plus strand (G>T on the coding strand, the complement: IRF2BPL is on the minus strand). VCF-style: chr14-77025425-C-A. GRCh37 (hg19) VCF-style: chr14-77491768-C-A.
Other names: short protein forms V790L.
Identifiers: ClinVar variation 4975788 (VCV004975788.1).